The following is an entry in ClinVar:

ClinVar aggregate classification (germline): Pathogenic. Review status: criteria provided, single submitter (1 of 4 stars). 2 submissions from 2 submitters: Pathogenic (1). 1 of the submissions does not count toward it. Last evaluated 2024-09-22.

Conditions:
Danon disease. Also called: ANTOPOL DISEASE; PSEUDOGLYCOGENOSIS II; GSD IIb; LYSOSOMAL GLYCOGEN STORAGE DISEASE WITHOUT ACID MALTASE DEFICIENCY; Glycogen Storage Disease Type IIb. Identifiers: Orphanet 34587, MedGen C0878677, MONDO:0010281, OMIM 300257.
Hypertrophic cardiomyopathy. Also called: HYPERTROPHIC MYOCARDIOPATHY. Identifiers: Orphanet 217569, MedGen C0007194, MeSH D002312, MONDO:0005045, HP:0001639.

Submissions (2):

Labcorp Genetics (formerly Invitae), Labcorp
Classification: Pathogenic for Danon disease. Last evaluated: 2024-09-22. Review status: criteria provided, single submitter. Criteria: Invitae Variant Classification Sherloc (09022015). Collection method: clinical testing. Allele origin: germline.
Comment: This sequence change creates a premature translational stop signal (p.Val64Glufs*9) in the LAMP2 gene. It is expected to result in an absent or disrupted protein product. Loss-of-function variants in LAMP2 are known to be pathogenic (PMID: 21415759). This variant is not present in population databases (gnomAD no frequency). This variant has not been reported in the literature in individuals affected with LAMP2-related conditions. ClinVar contains an entry for this variant (Variation ID: 44421). For these reasons, this variant has been classified as Pathogenic.

Laboratory for Molecular Medicine, Mass General Brigham Personalized Medicine
Classification: Likely pathogenic for Hypertrophic cardiomyopathy. Last evaluated: 2008-03-01. Review status: no assertion criteria provided. Collection method: clinical testing. Allele origin: germline. Observed: 1 variant allele. Not counted in ClinVar's aggregate classification.

Literature cited by the submitters: PubMed 21415759 (cited by Labcorp Genetics (formerly Invitae), Labcorp).

NM_002294.3(LAMP2):c.191del (p.Val64fs)

Gene: LAMP2 (lysosome associated membrane protein 2; minus strand). Cytogenetic location: Xq24.
Variant type: Deletion.
Coding change: c.191del on transcript NM_002294.3 (MANE Select); coding-DNA position 191, one base deleted (T; older notation c.191delT).
Protein change: p.Val64fs; shifts the reading frame from valine 64.
Molecular consequence: frameshift variant.
Genome position (GRCh38, 1-based): chrX:120,455,563, A deleted on the plus strand (T on the coding strand, the reverse complement: LAMP2 is on the minus strand). VCF-style (leftmost placement, unchanged base first): chrX-120455562-TA-T. GRCh37 (hg19) VCF-style: chrX-119589417-TA-T.
Other names: c.191delT (NM_002294.2); c.191del, p.Val64fs (NM_001122606.1, NM_013995.2); short protein forms V64fs.
Identifiers: ClinVar variation 44421 (VCV000044421.6), dbSNP rs397516738, ClinGen allele CA134087.